The following is an entry in ClinVar:

NM_001267550.2(TTN):c.107117C>G (p.Ser35706Ter)

Genes: TTN (titin; minus strand), TTN-AS1 (TTN antisense RNA 1; plus strand). Cytogenetic location: 2q31.2.
Variant type: single nucleotide variant.
Coding change: c.107117C>G on transcript NM_001267550.2 (MANE Select); coding-DNA position 107117, C replaced by G.
Protein change: p.Ser35706Ter; replaces serine 35706 with a stop codon.
Molecular consequence: nonsense.
Genome position (GRCh38, 1-based): chr2:178,528,634, G>C on the plus strand (C>G on the coding strand, the complement: TTN is on the minus strand). VCF-style: chr2-178528634-G-C. GRCh37 (hg19) VCF-style: chr2-179393361-G-C.
Other names: c.102194C>G, p.Ser34065Ter (NM_001256850.1); c.79922C>G, p.Ser26641Ter (NM_003319.4); c.99413C>G, p.Ser33138Ter (NM_133378.4); c.80297C>G, p.Ser26766Ter (NM_133432.3); c.80498C>G, p.Ser26833Ter (NM_133437.4); short protein forms S26641*, S26766*, S26833*, S33138*, S34065*, S35706*.
Identifiers: ClinVar variation 3759204 (VCV003759204.2).

ClinVar aggregate classification (germline): Likely pathogenic (1 of 4 stars; one submission).

Conditions:
Dilated cardiomyopathy 1G (CMD1G). Identifiers: Orphanet 154, MedGen C1858763, MONDO:0011400, OMIM 604145.
Autosomal recessive limb-girdle muscular dystrophy type 2J (LGMDR10). Also called: Limb-girdle muscular dystrophy, type 2J; MUSCULAR DYSTROPHY, LIMB-GIRDLE, AUTOSOMAL RECESSIVE 10. Identifiers: Orphanet 140922, MedGen C1837342, MONDO:0012127, OMIM 608807.

Submission:

Labcorp Genetics (formerly Invitae), Labcorp
Classification: Likely pathogenic for Dilated cardiomyopathy 1G; Autosomal recessive limb-girdle muscular dystrophy type 2J. Last evaluated: 2025-12-28. Review status: criteria provided, single submitter. Criteria: Invitae Variant Classification Sherloc (09022015). Collection method: clinical testing. Allele origin: germline.
Comment: This sequence change creates a premature translational stop signal (p.Ser35706*) in the TTN gene. While this is not anticipated to result in nonsense mediated decay, it is expected to create a truncated TTN protein. This variant is not present in population databases (gnomAD no frequency). This variant has not been reported in the literature in individuals affected with TTN-related conditions. ClinVar contains an entry for this variant (Variation ID: 3759204). This variant is located in the M band of TTN (PMID: 25589632). Truncating variants in this region have been previously reported in individuals affected with autosomal dominant or autosomal recessive myopathy and muscular dystrophy (PMID: 18948003, 23975875, 24395473). Truncating variants in this region have also been identified in individuals affected with autosomal dominant dilated cardiomyopathy and/or cardio-related conditions (PMID: 27869827, 32964742, internal data). In summary, the currently available evidence indicates that the variant is pathogenic, but additional data are needed to prove that conclusively. Therefore, this variant has been classified as Likely Pathogenic.

Literature cited by the submitters: PubMed 25589632; PubMed 18948003; PubMed 23975875; PubMed 24395473; PubMed 27869827; PubMed 32964742.